The following is an entry in ClinVar:

NM_000642.3(AGL):c.4169A>T (p.Glu1390Val)

Gene: AGL (amylo-alpha-1,6-glucosidase and 4-alpha-glucanotransferase; plus strand). Cytogenetic location: 1p21.2.
Variant type: single nucleotide variant.
Coding change: c.4169A>T on transcript NM_000642.3 (MANE Select); coding-DNA position 4169, A replaced by T.
Protein change: p.Glu1390Val; replaces glutamic acid 1390 with valine.
Molecular consequence: missense variant.
Genome position (GRCh38, 1-based): chr1:99,915,396, A>T. VCF-style: chr1-99915396-A-T. GRCh37 (hg19) VCF-style: chr1-100380952-A-T.
Other names: c.4169A>T, p.Glu1390Val (NM_001425325.1, NM_000028.3, NM_000643.3 and 1 more transcripts); c.4148A>T, p.Glu1383Val (NM_001425326.1); c.3968A>T, p.Glu1323Val (NM_001425327.1); c.3965A>T, p.Glu1322Val (NM_001425328.1); c.3830A>T, p.Glu1277Val (NM_001425329.1); c.3791A>T, p.Glu1264Val (NM_001425332.1); c.4121A>T, p.Glu1374Val (NM_000646.3); short protein forms E1374V, E1390V, E1264V, E1277V, E1322V, E1323V, E1383V.
Identifiers: ClinVar variation 1897519 (VCV001897519.3), dbSNP rs751648609, ClinGen allele CA967341.

ClinVar aggregate classification (germline): Uncertain significance (1 of 4 stars; one submission).

Conditions:
Glycogen storage disease type III (GSD3). Also called: Cori disease; FORBES DISEASE. Identifiers: Orphanet 366, MedGen C0017922, MONDO:0009291, OMIM 232400.

Allele frequency attached by ClinVar (database versions not stated): ExAC 0.00001.
gnomAD v4.1: 2 of 1,613,652 alleles (0.00012%); highest among the groups gnomAD compares: Non-Finnish European, 0.00017%; no homozygotes.

Submission:

Labcorp Genetics (formerly Invitae), Labcorp
Classification: Uncertain significance for Glycogen storage disease type III. Last evaluated: 2022-03-08. Review status: criteria provided, single submitter. Criteria: Invitae Variant Classification Sherloc (09022015). Collection method: clinical testing. Allele origin: germline.
Comment: In summary, the available evidence is currently insufficient to determine the role of this variant in disease. Therefore, it has been classified as a Variant of Uncertain Significance. Algorithms developed to predict the effect of sequence changes on RNA splicing suggest that this variant may create or strengthen a splice site. Algorithms developed to predict the effect of missense changes on protein structure and function (SIFT, PolyPhen-2, Align-GVGD) all suggest that this variant is likely to be disruptive. This variant has not been reported in the literature in individuals affected with AGL-related conditions. This variant is present in population databases (rs751648609, gnomAD 0.002%). This sequence change replaces glutamic acid, which is acidic and polar, with valine, which is neutral and non-polar, at codon 1390 of the AGL protein (p.Glu1390Val).